The following is an entry in ClinVar:

NM_002485.5(NBN):c.2074A>G (p.Thr692Ala)

Gene: NBN (nibrin; minus strand). Cytogenetic location: 8q21.3.
Variant type: single nucleotide variant.
Coding change: c.2074A>G on transcript NM_002485.5 (MANE Select); coding-DNA position 2074, A replaced by G.
Protein change: p.Thr692Ala; replaces threonine 692 with alanine.
Molecular consequence: missense variant.
Genome position (GRCh38, 1-based): chr8:89,943,363, T>C on the plus strand (A>G on the coding strand, the complement: NBN is on the minus strand). VCF-style: chr8-89943363-T-C. GRCh37 (hg19) VCF-style: chr8-90955591-T-C.
Other names: c.1828A>G, p.Thr610Ala (NM_001024688.3); short protein forms T610A, T692A.
Identifiers: ClinVar variation 2430779 (VCV002430779.4), dbSNP rs2488192067, ClinGen allele CA371675922.

ClinVar aggregate classification (germline): Uncertain significance. Review status: criteria provided, multiple submitters, no conflicts (2 of 4 stars). 2 submissions from 2 submitters: Uncertain significance (2). Last evaluated 2023-06-16.

Conditions:
Microcephaly, normal intelligence and immunodeficiency (NBS). Also called: Nijmegen breakage syndrome; Microcephaly with normal intelligence immunodeficiency and lymphoreticular malignancies; Nonsyndromal microcephaly autosomal recessive with normal intelligence; Seemanova syndrome 2; IMMUNODEFICIENCY, MICROCEPHALY, AND CHROMOSOMAL INSTABILITY; Ataxia telangiectasia variant V1. Identifiers: Orphanet 647, MedGen C0398791, MONDO:0009623, OMIM 251260.

Submissions (2):

Labcorp Genetics (formerly Invitae), Labcorp
Classification: Uncertain significance for Microcephaly, normal intelligence and immunodeficiency. Last evaluated: 2023-06-16. Review status: criteria provided, single submitter. Criteria: Invitae Variant Classification Sherloc (09022015). Collection method: clinical testing. Allele origin: germline.
Comment: In summary, the available evidence is currently insufficient to determine the role of this variant in disease. Therefore, it has been classified as a Variant of Uncertain Significance. Algorithms developed to predict the effect of missense changes on protein structure and function output the following: SIFT: "Not Available"; PolyPhen-2: "Benign"; Align-GVGD: "Not Available". The alanine amino acid residue is found in multiple mammalian species, which suggests that this missense change does not adversely affect protein function. ClinVar contains an entry for this variant (Variation ID: 2430779). This variant has not been reported in the literature in individuals affected with NBN-related conditions. This variant is not present in population databases (gnomAD no frequency). This sequence change replaces threonine, which is neutral and polar, with alanine, which is neutral and non-polar, at codon 692 of the NBN protein (p.Thr692Ala).

GeneDx
Classification: Uncertain significance. Last evaluated: 2023-02-15. Review status: criteria provided, single submitter. Criteria: GeneDx Variant Classification Process June 2021. Collection method: clinical testing. Allele origin: germline. Affected: yes.
Comment: Not observed at significant frequency in large population cohorts (gnomAD); In silico analysis supports that this missense variant does not alter protein structure/function; Has not been previously published as pathogenic or benign to our knowledge